The following is an entry in ClinVar:

NM_003193.5(TBCE):c.1025del (p.Asn342fs)

Gene: TBCE (tubulin folding cofactor E; plus strand). Cytogenetic location: 1q42.3.
Variant type: Deletion.
Coding change: c.1025del on transcript NM_003193.5 (MANE Select); coding-DNA position 1025, one base deleted (A; older notation c.1025delA).
Protein change: p.Asn342fs; shifts the reading frame from asparagine 342.
Molecular consequence: frameshift variant.
Genome position (GRCh38, 1-based): chr1:235,437,383, A deleted; the last of 3 consecutive A bases (chr1:235,437,381-235,437,383); deleting any one gives the same sequence. VCF-style (leftmost placement, unchanged base first): chr1-235437380-GA-G. GRCh37 (hg19) VCF-style: chr1-235600695-GA-G.
Other names: c.1025del, p.Asn342fs (NM_001079515.3); c.1178del, p.Asn393fs (NM_001287801.2); c.686del, p.Asn229fs (NM_001287802.2); short protein forms N229fs, N393fs, N342fs.
Identifiers: ClinVar variation 2958887 (VCV002958887.3), dbSNP rs1681530018, ClinGen allele CA1013554801.

ClinVar aggregate classification (germline): Pathogenic (1 of 4 stars; one submission).

Submission:

Labcorp Genetics (formerly Invitae), Labcorp
Classification: Pathogenic. Last evaluated: 2023-12-21. Review status: criteria provided, single submitter. Criteria: Invitae Variant Classification Sherloc (09022015). Collection method: clinical testing. Allele origin: germline.
Comment: This sequence change creates a premature translational stop signal (p.Asn342Thrfs*3) in the TBCE gene. It is expected to result in an absent or disrupted protein product. Loss-of-function variants in TBCE are known to be pathogenic (PMID: 27666369, 34134906, 34356170). This variant is not present in population databases (gnomAD no frequency). This variant has not been reported in the literature in individuals affected with TBCE-related conditions. For these reasons, this variant has been classified as Pathogenic.

Literature cited by the submitters: PubMed 27666369; PubMed 34134906; PubMed 34356170.